The following is an entry in ClinVar:

ClinVar aggregate classification (germline): Likely pathogenic (1 of 4 stars; one submission).

Conditions:
Primary ciliary dyskinesia 3. Identifiers: Orphanet 244, MedGen C1837618, MONDO:0012085, OMIM 608644.

Submission:

Myriad Genetics, Inc.
Classification: Likely pathogenic for Primary ciliary dyskinesia 3. Last evaluated: 2022-01-23. Review status: criteria provided, single submitter. Criteria: Myriad Women's Health Autosomal Recessive and X-Linked Classification Criteria (2021). Collection method: clinical testing. Allele origin: unknown.
Comment: NM_001369.2(DNAH5):c.1789_1790ins13(G597Dfs*7) is expected to be pathogenic in the context of DNAH5-related primary ciliary dyskinesia. This variant is predicted to lead to an abnormal or absent protein product due to the creation of a premature termination codon in DNAH5, a gene where loss-of-function variants are known to be pathogenic. Please note: this variant was assessed in the context of healthy population screening.

NM_001369.3(DNAH5):c.1789_1790insACACTCAGCAGCA (p.Gly597fs)

Gene: DNAH5 (dynein axonemal heavy chain 5; minus strand). Cytogenetic location: 5p15.2.
Variant type: Insertion.
Coding change: c.1789_1790insACACTCAGCAGCA on transcript NM_001369.3 (MANE Select); coding-DNA positions 1789 to 1790, ACACTCAGCAGCA inserted.
Protein change: p.Gly597fs; shifts the reading frame from glycine 597.
Molecular consequence: frameshift variant.
Genome position: GRCh38 VCF-style: chr5-13901514-C-CTGCTGCTGAGTGT. GRCh37 (hg19) VCF-style: chr5-13901623-C-CTGCTGCTGAGTGT.
Other names: short protein forms G597fs.
Identifiers: ClinVar variation 1724016 (VCV001724016.2), dbSNP rs2547093065, ClinGen allele CA2580072082.